The following is an entry in ClinVar:

ClinVar aggregate classification (germline): Uncertain significance (1 of 4 stars; one submission).

Conditions:
Sphingolipid activator protein 1 deficiency. Also called: METACHROMATIC LEUKODYSTROPHY DUE TO CEREBROSIDE SULFATASE ACTIVATOR DEFICIENCY; Saposin B Deficiency; Metachromatic leukodystrophy due to saposin B deficiency. Identifiers: Orphanet 512, MedGen C0268262, MONDO:0009590, OMIM 249900.

Allele frequency attached by ClinVar (database versions not stated): TOPMed below 0.00001; gnomAD exomes 0.00001; ExAC 0.00002.

Submission:

Labcorp Genetics (formerly Invitae), Labcorp
Classification: Uncertain significance for Sphingolipid activator protein 1 deficiency. Last evaluated: 2022-08-19. Review status: criteria provided, single submitter. Criteria: Invitae Variant Classification Sherloc (09022015). Collection method: clinical testing. Allele origin: germline.
Comment: This sequence change replaces serine, which is neutral and polar, with tyrosine, which is neutral and polar, at codon 40 of the PSAP protein (p.Ser40Tyr). This variant is present in population databases (rs770449086, gnomAD 0.009%). This variant has not been reported in the literature in individuals affected with PSAP-related conditions. Algorithms developed to predict the effect of missense changes on protein structure and function are either unavailable or do not agree on the potential impact of this missense change (SIFT: "Not Available"; PolyPhen-2: "Probably Damaging"; Align-GVGD: "Not Available"). In summary, the available evidence is currently insufficient to determine the role of this variant in disease. Therefore, it has been classified as a Variant of Uncertain Significance.

NM_002778.4(PSAP):c.119C>A (p.Ser40Tyr)

Gene: PSAP (prosaposin; minus strand). Cytogenetic location: 10q22.1.
Variant type: single nucleotide variant.
Coding change: c.119C>A on transcript NM_002778.4 (MANE Select); coding-DNA position 119, C replaced by A.
Protein change: p.Ser40Tyr; replaces serine 40 with tyrosine.
Molecular consequence: missense variant.
Genome position (GRCh38, 1-based): chr10:71,834,427, G>T on the plus strand (C>A on the coding strand, the complement: PSAP is on the minus strand). VCF-style: chr10-71834427-G-T. GRCh37 (hg19) VCF-style: chr10-73594184-G-T.
Other names: c.119C>A, p.Ser40Tyr (NM_001042465.3, NM_001042466.3); short protein forms S40Y.
Identifiers: ClinVar variation 2059989 (VCV002059989.1), dbSNP rs770449086, ClinGen allele CA5547898.